The following is an entry in ClinVar:

NM_181426.2(CCDC39):c.1731dup (p.Lys578Ter)

Gene: CCDC39 (coiled-coil domain 39 molecular ruler complex subunit; minus strand). Cytogenetic location: 3q26.33.
Variant type: Duplication.
Coding change: c.1731dup on transcript NM_181426.2 (MANE Select); coding-DNA position 1731, one base duplicated (T; older notation c.1731dupT).
Protein change: p.Lys578Ter; replaces lysine 578 with a stop codon.
Molecular consequence: nonsense.
Genome position (GRCh38, 1-based): chr3:180,642,136, A duplicated on the plus strand (T on the coding strand, the reverse complement: CCDC39 is on the minus strand). VCF-style (leftmost placement, unchanged base first): chr3-180642135-T-TA. GRCh37 (hg19) VCF-style: chr3-180359923-T-TA.
Other names: short protein forms K578*.
Identifiers: ClinVar variation 2856184 (VCV002856184.3), dbSNP rs2473804121, ClinGen allele CA2739279685.
Genomic context (GRCh38, chr3:180,642,135, plus strand): 5'-CTTCCATTGCTGTGTATAATTGCTGTTTTCTTTTTTCTAGGGAAAGAACTTCTTCTGCCT[T>TA]ACTGTGAAGCATTTCTCGAGTACGCTTAACTTCAAGTTTTAAAAGATTGTCCTCTATCAT-3'

ClinVar aggregate classification (germline): Pathogenic (1 of 4 stars; one submission).

Conditions:
Primary ciliary dyskinesia. Also called: Ciliary dyskinesia. Identifiers: Orphanet 244, MedGen C0008780, MONDO:0016575, HP:0012265.

Submission:

Labcorp Genetics (formerly Invitae), Labcorp
Classification: Pathogenic for Primary ciliary dyskinesia. Last evaluated: 2023-04-14. Review status: criteria provided, single submitter. Criteria: Invitae Variant Classification Sherloc (09022015). Collection method: clinical testing. Allele origin: germline.
Comment: This sequence change creates a premature translational stop signal (p.Lys578*) in the CCDC39 gene. It is expected to result in an absent or disrupted protein product. Loss-of-function variants in CCDC39 are known to be pathogenic (PMID: 21131972, 23255504). This variant is not present in population databases (gnomAD no frequency). For these reasons, this variant has been classified as Pathogenic. This variant has not been reported in the literature in individuals affected with CCDC39-related conditions.

Literature cited by the submitters: PubMed 21131972; PubMed 23255504.